The following is an entry in ClinVar:

NM_000383.4(AIRE):c.1069C>T (p.Pro357Ser)

Gene: AIRE (autoimmune regulator; plus strand). Cytogenetic location: 21q22.3.
Variant type: single nucleotide variant.
Coding change: c.1069C>T on transcript NM_000383.4 (MANE Select); coding-DNA position 1069, C replaced by T.
Protein change: p.Pro357Ser; replaces proline 357 with serine.
Molecular consequence: missense variant.
Genome position (GRCh38, 1-based): chr21:44,292,375, C>T. VCF-style: chr21-44292375-C-T. GRCh37 (hg19) VCF-style: chr21-45712258-C-T.
Other names: p.Pro357Ser; c.1069C>T (NM_000383.2); short protein forms P357S.
Identifiers: ClinVar variation 943438 (VCV000943438.11), dbSNP rs200540137, ClinGen allele CA321794651.

ClinVar aggregate classification (germline): Uncertain significance. Review status: criteria provided, multiple submitters, no conflicts (2 of 4 stars). 4 submissions from 4 submitters: Uncertain significance (3). 1 of the submissions does not count toward it. Last evaluated 2025-08-14.

Conditions:
Inborn genetic diseases. Identifiers: MedGen C0950123, MeSH D030342.
Polyglandular autoimmune syndrome, type 1 (APS1). Also called: Autoimmune polyendocrinopathy syndrome , type I, with or without reversible metaphyseal dysplasia; HYPOADRENOCORTICISM WITH HYPOPARATHYROIDISM AND SUPERFICIAL MONILIASIS; PGA I; AUTOIMMUNE POLYENDOCRINE SYNDROME, TYPE I, WITH OR WITHOUT REVERSIBLE METAPHYSEAL DYSPLASIA; APS I; Autoimmune polyendocrinopathy syndrome, type I. Identifiers: Orphanet 3453, MedGen C0085859, MONDO:0009411, OMIM 240300.

Allele frequency attached by ClinVar (database versions not stated): gnomAD exomes 0.00001; TOPMed 0.00001.
gnomAD v4.1: 38 of 1,560,244 alleles (0.0024%); highest among the groups gnomAD compares: Non-Finnish European, 0.0031%; no homozygotes.

Submissions (4):

Labcorp Genetics (formerly Invitae), Labcorp
Classification: Uncertain significance for Polyglandular autoimmune syndrome, type 1. Last evaluated: 2025-08-14. Review status: criteria provided, single submitter. Criteria: Invitae Variant Classification Sherloc (09022015). Collection method: clinical testing. Allele origin: germline.
Comment: This sequence change replaces proline, which is neutral and non-polar, with serine, which is neutral and polar, at codon 357 of the AIRE protein (p.Pro357Ser). The frequency data for this variant in the population databases is considered unreliable, as metrics indicate poor data quality at this position in the gnomAD database. This variant has not been reported in the literature in individuals affected with AIRE-related conditions. ClinVar contains an entry for this variant (Variation ID: 943438). Invitae Evidence Modeling of protein sequence and biophysical properties (such as structural, functional, and spatial information, amino acid conservation, physicochemical variation, residue mobility, and thermodynamic stability) has been performed for this missense variant. However, the output from this modeling did not meet the statistical confidence thresholds required to predict the impact of this variant on AIRE protein function. In summary, the available evidence is currently insufficient to determine the role of this variant in disease. Therefore, it has been classified as a Variant of Uncertain Significance.

Mayo Clinic Laboratories, Mayo Clinic
Classification: Uncertain significance. Last evaluated: 2025-07-29. Review status: criteria provided, single submitter. Criteria: ACMG Guidelines, 2015. Collection method: clinical testing. Allele origin: germline. Observed: 1 variant allele.
Comment: PM2_supporting

Ambry Genetics
Classification: Uncertain significance for Inborn genetic diseases. Last evaluated: 2025-06-03. Review status: criteria provided, single submitter. Criteria: Ambry Variant Classification Scheme 2023. Collection method: clinical testing. Allele origin: germline.

Natera, Inc.
Classification: Uncertain significance for Polyglandular autoimmune syndrome type 1. Last evaluated: 2020-08-12. Review status: no assertion criteria provided. Collection method: clinical testing. Allele origin: germline. Not counted in ClinVar's aggregate classification.